The following is an entry in ClinVar:

NM_001206927.2(DNAH8):c.10187CAC[1] (p.Pro3397del)

Genes: DNAH8 (dynein axonemal heavy chain 8; plus strand), DNAH8-AS1 (DNAH8 antisense RNA 1; minus strand). Cytogenetic location: 6p21.2.
Variant type: Microsatellite.
Coding change: c.10187CAC[1] on transcript NM_001206927.2 (MANE Select); one copy of the 3-base unit CAC starting at c.10187; the reference has two copies in a row; one copy, 3 bases deleted; also written c.10190_10192del.
Protein change: p.Pro3397del; deletes proline 3397.
Molecular consequence: inframe deletion.
Genome position (GRCh38, 1-based): chr6:38,917,288-38,917,290, CAC deleted; deleting any 3 consecutive bases within chr6:38,917,283-38,917,290 gives the same sequence; the position shown is the placement nearest the transcript's 3' end. VCF-style (leftmost placement, unchanged base first): chr6-38917282-AACC-A. GRCh37 (hg19) VCF-style: chr6-38885058-AACC-A.
Other names: c.10190_10192del (NM_001206927.2); c.9536CAC[1], p.Pro3180del (NM_001371.4); short protein forms P3180del, P3397del.
Identifiers: ClinVar variation 5007056 (VCV005007056.2).

ClinVar aggregate classification (germline): Uncertain significance (1 of 4 stars; one submission).

Conditions:
Spermatogenic failure 46. Identifiers: MedGen C5436799, MONDO:0033673, OMIM 619095.

Submission:

Juno Genomics, Hangzhou Juno Genomics, Inc
Classification: Uncertain significance for Spermatogenic failure 46. Review status: criteria provided, single submitter. Criteria: ACMG Guidelines, 2015. Collection method: clinical testing. Allele origin: germline.
Comment: Protein length changes due to in-frame deletions/insertions in a non-repeat region or stop-loss variants.;Absent from controls (or at extremely low frequency if recessive) in Genome Aggregation Database.